The following is an entry in ClinVar:

ClinVar aggregate classification (germline): Conflicting classifications of pathogenicity. Review status: criteria provided, conflicting classifications (1 of 4 stars). 2 submissions from 2 submitters: Likely pathogenic (1); Uncertain significance (1). Last evaluated 2025-12-15.

Conditions:
Sessile serrated polyposis cancer syndrome (SSPCS). Identifiers: Orphanet 157798, MedGen C4310714, MONDO:0014919, OMIM 617108.

Submissions (2):

Myriad Genetics, Inc.
Classification: Likely pathogenic for Sessile serrated polyposis cancer syndrome. Last evaluated: 2025-12-15. Review status: criteria provided, single submitter. Criteria: Myriad Autosomal Dominant, Autosomal Recessive and X-Linked Classification Criteria (2023). Collection method: clinical testing. Allele origin: unknown.
Comment: This variant is considered likely pathogenic. This variant occurs within a consensus splice junction and is predicted to result in abnormal mRNA splicing of either an out-of-frame exon or an in-frame exon necessary for protein stability and/or normal function.

Labcorp Genetics (formerly Invitae), Labcorp
Classification: Uncertain significance. Last evaluated: 2022-03-26. Review status: criteria provided, single submitter. Criteria: Invitae Variant Classification Sherloc (09022015). Collection method: clinical testing. Allele origin: germline.
Comment: In summary, the available evidence is currently insufficient to determine the role of this variant in disease. Therefore, it has been classified as a Variant of Uncertain Significance. Algorithms developed to predict the effect of sequence changes on RNA splicing suggest that this variant may disrupt the consensus splice site. Experimental studies and prediction algorithms are not available or were not evaluated, and the functional significance of this variant is currently unknown. This variant has not been reported in the literature in individuals affected with RNF43-related conditions. This variant is not present in population databases (gnomAD no frequency). This sequence change affects a splice site in intron 5 of the RNF43 gene. It is expected to disrupt RNA splicing. Variants that disrupt the donor or acceptor splice site typically lead to a loss of protein function (PMID: 16199547), however the current clinical and genetic evidence is not sufficient to establish whether loss-of-function variants in RNF43 cause disease.

Literature cited by the submitters: PubMed 16199547 (cited by Labcorp Genetics (formerly Invitae), Labcorp).

NM_017763.6(RNF43):c.582+2_582+27del

Gene: RNF43 (ring finger protein 43; minus strand). Cytogenetic location: 17q22.
Variant type: Deletion.
Coding change: c.582+2_582+27del on transcript NM_017763.6 (MANE Select); the canonical splice donor site of the intron after coding-DNA position 582 through 27 bases into the intron after coding-DNA position 582, 26 bases deleted (TAAGCACACTAGACCTCCAGACCTTG).
Molecular consequence: splice donor variant.
Genome position (GRCh38, 1-based): chr17:58,363,248-58,363,273, CAAGGTCTGGAGGTCTAGTGTGCTTA deleted on the plus strand (TAAGCACACTAGACCTCCAGACCTTG on the coding strand, the reverse complement: RNF43 is on the minus strand); deleting any 26 consecutive bases within chr17:58,363,248-58,363,274 gives the same sequence; the c. name uses the placement nearest the transcript's 3' end. VCF-style (leftmost placement, unchanged base first): chr17-58363247-GCAAGGTCTGGAGGTCTAGTGTGCTTA-G. GRCh37 (hg19) VCF-style: chr17-56440608-GCAAGGTCTGGAGGTCTAGTGTGCTTA-G.
Other names: c.582+2_582+27del (NM_001438822.1, NM_001305544.3, NM_001438820.1 and 1 more transcripts); c.201+2_201+27del (NM_001305545.2, NM_001437987.1).
Identifiers: ClinVar variation 2117757 (VCV002117757.5), dbSNP rs2509366238, ClinGen allele CA2580094291.